The following is an entry in ClinVar:

ClinVar aggregate classification (germline): Likely pathogenic (1 of 4 stars; one submission).

Conditions:
Myopathy, proximal, and ophthalmoplegia (CMYO6). Also called: INCLUSION BODY MYOPATHY 3, AUTOSOMAL DOMINANT; MYOPATHY WITH CONGENITAL JOINT CONTRACTURES, OPHTHALMOPLEGIA, AND RIMMED VACUOLES; CONGENITAL MYOPATHY 6 WITH OPHTHALMOPLEGIA. Identifiers: Orphanet 363677, Orphanet 79091, MedGen C1854106, MONDO:0011577, OMIM 605637.

Submission:

Juno Genomics, Hangzhou Juno Genomics, Inc
Classification: Likely pathogenic for Myopathy, proximal, and ophthalmoplegia. Review status: criteria provided, single submitter. Criteria: ACMG Guidelines, 2015. Collection method: clinical testing. Allele origin: germline.
Comment: Absent from controls (or at extremely low frequency if recessive) in Genome Aggregation Database.;Null variant in a gene where loss of function (LOF) is a known mechanism of disease.

NM_017534.6(MYH2):c.5078_5085del (p.Glu1693fs)

Genes: MYH2 (myosin heavy chain 2; minus strand), MYHAS (myosin heavy chain gene cluster antisense RNA; plus strand), LOC126862500 (BRD4-independent group 4 enhancer GRCh37_chr17:10427829-10429028; plus strand). Cytogenetic location: 17p13.1.
Variant type: Deletion.
Coding change: c.5078_5085del on transcript NM_017534.6 (MANE Select); coding-DNA positions 5078 to 5085, 8 bases deleted (AGCTGCGG; older notation c.5078_5085delAGCTGCGG).
Protein change: p.Glu1693fs; shifts the reading frame from glutamic acid 1693.
Molecular consequence: frameshift variant.
Genome position (GRCh38, 1-based): chr17:10,524,556-10,524,563, CCGCAGCT deleted on the plus strand (AGCTGCGG on the coding strand, the reverse complement: MYH2 is on the minus strand); deleting any 8 consecutive bases within chr17:10,524,556-10,524,565 gives the same sequence; the c. name uses the placement nearest the transcript's 3' end. VCF-style (leftmost placement, unchanged base first): chr17-10524555-CCCGCAGCT-C. GRCh37 (hg19) VCF-style: chr17-10427872-CCCGCAGCT-C.
Other names: c.5078_5085del, p.Glu1693fs (NM_001100112.2); short protein forms E1693fs.
Identifiers: ClinVar variation 5019707 (VCV005019707.2).